The following is an entry in ClinVar:

ClinVar aggregate classification (germline): Uncertain significance. Review status: criteria provided, multiple submitters, no conflicts (2 of 4 stars). 2 submissions from 2 submitters: Uncertain significance (2). Last evaluated 2024-03-07.

Conditions:
Inborn genetic diseases. Identifiers: MedGen C0950123, MeSH D030342.

Allele frequency attached by ClinVar (database versions not stated): 1000 Genomes Project 30x 0.00016; 1000 Genomes Project 0.00020; ExAC 0.00007; TOPMed 0.00005; gnomAD exomes 0.00006; gnomAD 0.00008.
gnomAD v4.1: 228 of 1,614,018 alleles (0.014%); highest among the groups gnomAD compares: Non-Finnish European, 0.018%; no homozygotes.

Submissions (2):

Ambry Genetics
Classification: Uncertain significance for Inborn genetic diseases. Last evaluated: 2024-03-07. Review status: criteria provided, single submitter. Criteria: Ambry Variant Classification Scheme 2023. Collection method: clinical testing. Allele origin: germline.

Labcorp Genetics (formerly Invitae), Labcorp
Classification: Uncertain significance. Last evaluated: 2022-07-05. Review status: criteria provided, single submitter. Criteria: Invitae Variant Classification Sherloc (09022015). Collection method: clinical testing. Allele origin: germline.
Comment: This sequence change replaces alanine, which is neutral and non-polar, with threonine, which is neutral and polar, at codon 56 of the GORAB protein (p.Ala56Thr). This variant is present in population databases (rs146131654, gnomAD 0.01%). This variant has not been reported in the literature in individuals affected with GORAB-related conditions. Algorithms developed to predict the effect of missense changes on protein structure and function output the following: SIFT: "Tolerated"; PolyPhen-2: "Benign"; Align-GVGD: "Class C0". The threonine amino acid residue is found in multiple mammalian species, which suggests that this missense change does not adversely affect protein function. In summary, the available evidence is currently insufficient to determine the role of this variant in disease. Therefore, it has been classified as a Variant of Uncertain Significance.

NM_152281.3(GORAB):c.91G>A (p.Ala31Thr)

Gene: GORAB (golgin, RAB6 interacting; plus strand). Cytogenetic location: 1q24.2.
Variant type: single nucleotide variant.
Coding change: c.91G>A on transcript NM_152281.3 (MANE Select); coding-DNA position 91, G replaced by A.
Protein change: p.Ala31Thr; replaces alanine 31 with threonine.
Molecular consequence: missense variant. On other transcripts: 5 prime UTR variant (1), non-coding transcript variant (1).
Genome position (GRCh38, 1-based): chr1:170,539,239, G>A. VCF-style: chr1-170539239-G-A. GRCh37 (hg19) VCF-style: chr1-170508380-G-A.
Other names: c.91G>A, p.Ala31Thr (NM_001146039.2); c.-375G>A (NM_001320252.2); c.166G>A (NM_152281.2); short protein forms A31T.
Identifiers: ClinVar variation 1027281 (VCV001027281.3), dbSNP rs146131654, ClinGen allele CA1239040.